The following is an entry in ClinVar:

NM_000169.3(GLA):c.594T>G (p.Ile198Met)

Genes: GLA (galactosidase alpha; minus strand), RPL36A-HNRNPH2 (RPL36A-HNRNPH2 readthrough; plus strand). Cytogenetic location: Xq22.1.
Variant type: single nucleotide variant.
Coding change: c.594T>G on transcript NM_000169.3 (MANE Select); coding-DNA position 594, T replaced by G.
Protein change: p.Ile198Met; replaces isoleucine 198 with methionine.
Molecular consequence: missense variant. On other transcripts: non-coding transcript variant (2), intron variant (2).
Genome position (GRCh38, 1-based): chrX:101,400,711, A>C on the plus strand (T>G on the coding strand, the complement: GLA is on the minus strand). VCF-style: chrX-101400711-A-C. GRCh37 (hg19) VCF-style: chrX-100655699-A-C.
Other names: c.717T>G, p.Ile239Met (NM_001406747.1); c.594T>G, p.Ile198Met (NM_001406748.1); c.300+5254A>C (NM_001199973.2); c.177+8889A>C (NM_001199974.2); short protein forms I198M, I239M.
Identifiers: ClinVar variation 3386874 (VCV003386874.1).

ClinVar aggregate classification (germline): Uncertain significance (1 of 4 stars; one submission).

Conditions:
Fabry disease. Also called: Fabry's disease; ALPHA-GALACTOSIDASE A DEFICIENCY; ANDERSON-FABRY DISEASE; CERAMIDE TRIHEXOSIDASE DEFICIENCY; GLA DEFICIENCY; HEREDITARY DYSTOPIC LIPIDOSIS. Identifiers: Orphanet 324, MedGen C0002986, MONDO:0010526, OMIM 301500, HP:0001071. Disease mechanism: Fabry disease is due to inactivating mutations in the X-linked GLA gene resulting in deficiency of the enzyme Alpha Galactosidase-A., loss of function.

gnomAD v4.1: 1 of 1,194,266 alleles (0.000084%); highest among the groups gnomAD compares: Non-Finnish European, 0.00011%; no homozygotes.

Submission:

All of Us Research Program, National Institutes of Health
Classification: Uncertain significance for Fabry disease. Last evaluated: 2024-09-23. Review status: criteria provided, single submitter. Criteria: ACMG Guidelines, 2015. Collection method: clinical testing. Allele origin: germline. Inheritance: X-linked inheritance. Observed: 1 variant allele, 1 heterozygote.
Comment: This study involves interpretation of variants in research participants for the purpose of population health screening. Participant phenotype was not available at the time of variant classification. Additional details can be found in publication PMID: 35346344, PMCID: PMC8962531